The following is an entry in ClinVar:

ClinVar aggregate classification (germline): Likely pathogenic (1 of 4 stars; one submission).

Conditions:
Hereditary cancer-predisposing syndrome. Also called: Tumor predisposition; Hereditary Cancer Syndrome; Hereditary neoplastic syndrome; Neoplastic Syndromes, Hereditary. Identifiers: Orphanet 140162, MedGen C0027672, MeSH D009386, MONDO:0015356.

Submission:

Ambry Genetics
Classification: Likely pathogenic for Hereditary cancer-predisposing syndrome. Last evaluated: 2024-05-15. Review status: criteria provided, single submitter. Criteria: Ambry Variant Classification Scheme 2023. Collection method: clinical testing. Allele origin: germline.
Comment: The c.171+1G>A intronic variant results from a G to A substitution one nucleotide after coding exon 3 of the MAX gene. Alterations that disrupt the canonical splice site are expected to result in aberrant splicing. In silico splice site analysis predicts that this alteration will weaken the native splice donor site. The resulting transcript is predicted to be in-frame and is not expected to trigger nonsense-mediated mRNA decay; however, direct evidence is unavailable. The exact functional effect of the altered amino acid sequence is unknown; however, a significant portion of the protein is affected (Ambry internal data). RNA studies have demonstrated that this alteration results in abnormal splicing in the set of samples tested (Ambry internal data). This nucleotide position is highly conserved in available vertebrate species. Based on the majority of available evidence to date, this variant is likely to be pathogenic.

NM_002382.5(MAX):c.171+1G>A

Genes: MAX (MYC associated transcriptional regulator X; minus strand), MAX-AS1 (MAX antisense RNA 1; plus strand). Cytogenetic location: 14q23.3.
Variant type: single nucleotide variant.
Coding change: c.171+1G>A on transcript NM_002382.5 (MANE Select); the canonical splice donor site of the intron after coding-DNA position 171, G replaced by A.
Molecular consequence: splice donor variant. On other transcripts: non-coding transcript variant (1), intron variant (1).
Genome position (GRCh38, 1-based): chr14:65,093,707, C>T on the plus strand (G>A on the coding strand, the complement: MAX is on the minus strand). VCF-style: chr14-65093707-C-T. GRCh37 (hg19) VCF-style: chr14-65560425-C-T.
Other names: c.144+1G>A (NM_001271069.2, NM_001407095.1, NM_001407110.1 and 9 more transcripts); c.171+1G>A (NM_197957.4, NM_001407094.1, NM_001407104.1 and 5 more transcripts); c.-197+1G>A (NM_001407112.1, NM_001407111.1); c.-104+1G>A (NM_001407106.1, NM_001407107.1, NM_001320415.2 and 1 more transcripts); c.63+7839G>A (NM_001407098.1); c.194+1G>A (NM_001407114.1).
Identifiers: ClinVar variation 3293488 (VCV003293488.1).
Genomic context (GRCh38, chr14:65,093,707, plus strand): 5'-AGCTCTGCAACAAGTTCCAAGCTAGTAGTGGCCAGCTACTCAGCTTTCTCAGGAAACTCA[C>T]CTTCTCTCCTTGGAGTGATGGGACTGAGTCCCGCAAACTGTGAAAGCTGTCTTTGATGTG-3'